The following is an entry in ClinVar:

ClinVar aggregate classification (germline): Uncertain significance (1 of 4 stars; one submission).

Conditions:
Growth hormone insensitivity with immune dysregulation 1, autosomal recessive. Also called: GROWTH HORMONE INSENSITIVITY SYNDROME WITH IMMUNE DYSREGULATION 1, AUTOSOMAL RECESSIVE; GROWTH HORMONE INSENSITIVITY DUE TO POSTRECEPTOR DEFECT; LARON SYNDROME DUE TO POSTRECEPTOR DEFECT; Laron syndrome with immunodeficiency. Identifiers: Orphanet 220465, MedGen C5435698, MONDO:0100211, OMIM 245590.

Allele frequency attached by ClinVar (database versions not stated): gnomAD exomes below 0.00001; ExAC 0.00001.
gnomAD v4.1: 5 of 1,613,484 alleles (0.00031%); highest among the groups gnomAD compares: South Asian, 0.0011%; no homozygotes.

Submission:

Labcorp Genetics (formerly Invitae), Labcorp
Classification: Uncertain significance for Growth hormone insensitivity with immune dysregulation 1, autosomal recessive. Last evaluated: 2022-08-31. Review status: criteria provided, single submitter. Criteria: Invitae Variant Classification Sherloc (09022015). Collection method: clinical testing. Allele origin: germline.
Comment: In summary, the available evidence is currently insufficient to determine the role of this variant in disease. Therefore, it has been classified as a Variant of Uncertain Significance. Algorithms developed to predict the effect of missense changes on protein structure and function are either unavailable or do not agree on the potential impact of this missense change (SIFT: "Deleterious"; PolyPhen-2: "Benign"; Align-GVGD: "Class C15"). ClinVar contains an entry for this variant (Variation ID: 1476158). This variant has not been reported in the literature in individuals affected with STAT5B-related conditions. This variant is not present in population databases (gnomAD no frequency). This sequence change replaces threonine, which is neutral and polar, with methionine, which is neutral and non-polar, at codon 331 of the STAT5B protein (p.Thr331Met).

NM_012448.4(STAT5B):c.992C>T (p.Thr331Met)

Gene: STAT5B (signal transducer and activator of transcription 5B; minus strand). Cytogenetic location: 17q21.2.
Variant type: single nucleotide variant.
Coding change: c.992C>T on transcript NM_012448.4 (MANE Select); coding-DNA position 992, C replaced by T.
Protein change: p.Thr331Met; replaces threonine 331 with methionine.
Molecular consequence: missense variant.
Genome position (GRCh38, 1-based): chr17:42,218,328, G>A on the plus strand (C>T on the coding strand, the complement: STAT5B is on the minus strand). VCF-style: chr17-42218328-G-A. GRCh37 (hg19) VCF-style: chr17-40370346-G-A.
Other names: short protein forms T331M.
Identifiers: ClinVar variation 1476158 (VCV001476158.8), dbSNP rs753213429, ClinGen allele CA8574137.